The following is an entry in ClinVar:

NM_198859.4(PRICKLE2):c.*2269T>C

Genes: PRICKLE2 (prickle planar cell polarity protein 2; minus strand), PRICKLE2-AS1 (PRICKLE2 antisense RNA 1; plus strand). Cytogenetic location: 3p14.1.
Variant type: single nucleotide variant.
Coding change: c.*2269T>C on transcript NM_198859.4 (MANE Select); 2269 bases downstream of the stop codon, T replaced by C.
Molecular consequence: 3 prime UTR variant.
Genome position (GRCh38, 1-based): chr3:64,096,782, A>G on the plus strand (T>C on the coding strand, the complement: PRICKLE2 is on the minus strand). VCF-style: chr3-64096782-A-G. GRCh37 (hg19) VCF-style: chr3-64082458-A-G.
Other names: c.*2269T>C (NM_001370528.1).
Identifiers: ClinVar variation 346444 (VCV000346444.5), dbSNP rs550841859, ClinGen allele CA10617275.

ClinVar aggregate classification (germline): Likely benign (1 of 4 stars; one submission).

Conditions:
Progressive myoclonic epilepsy. Also called: Progressive myoclonus epilepsy; Myoclonus epilepsy; Familial progressive myoclonic epilepsy; Myoclonic Epilepsies, Progressive. Identifiers: Orphanet 308, Orphanet 98261, MedGen C0751778, MONDO:0020074.

Allele frequency attached by ClinVar (database versions not stated): gnomAD 0.00002 and 0.00047; TOPMed 0.00009; 1000 Genomes Project 0.00300; 1000 Genomes Project 30x 0.00359.

Submission:

Illumina Laboratory Services, Illumina
Classification: Likely benign for Progressive myoclonic epilepsy. Last evaluated: 2018-01-13. Review status: criteria provided, single submitter. Criteria: ICSL Variant Classification Criteria 13 December 2019. Collection method: clinical testing. Allele origin: germline.
Comment: This variant was observed in the ICSL laboratory as part of a predisposition screen in an ostensibly healthy population. It had not been previously curated by ICSL or reported in the Human Gene Mutation Database (HGMD: prior to June 1st, 2018), and was therefore a candidate for classification through an automated scoring system. Utilizing variant allele frequency, disease prevalence and penetrance estimates, and inheritance mode, an automated score was calculated to assess if this variant is too frequent to cause the disease. Based on the score and internal cut-off values, a variant classified as likely benign is not then subjected to further curation. The score for this variant resulted in a classification of likely benign for this disease.